The following is an entry in ClinVar:

ClinVar aggregate classification (germline): Uncertain significance (1 of 4 stars; one submission).

gnomAD v4.1: 1 of 1,613,724 alleles (0.000062%); highest among the groups gnomAD compares: Non-Finnish European, 0.000085%; no homozygotes.

Submission:

Women's Health and Genetics/Laboratory Corporation of America, LabCorp
Classification: Uncertain significance. Last evaluated: 2024-10-28. Review status: criteria provided, single submitter. Criteria: LabCorp Variant Classification Summary - May 2015. Collection method: clinical testing. Allele origin: germline.
Comment: Variant summary: CTNS c.199A>G (p.Ile67Val) results in a conservative amino acid change in the encoded protein sequence. Five of five in-silico tools predict a benign effect of the variant on protein function. The variant was absent in 251472 control chromosomes. The available data on variant occurrences in the general population are insufficient to allow any conclusion about variant significance. To our knowledge, no occurrence of c.199A>G in individuals affected with Nephropathic cystinosis and no experimental evidence demonstrating its impact on protein function have been reported. No submitters have cited clinical-significance assessments for this variant to ClinVar. Based on the evidence outlined above, the variant was classified as uncertain significance.

NM_004937.3(CTNS):c.199A>G (p.Ile67Val)

Gene: CTNS (cystinosin, lysosomal cystine transporter; plus strand). Cytogenetic location: 17p13.2.
Variant type: single nucleotide variant.
Coding change: c.199A>G on transcript NM_004937.3 (MANE Select); coding-DNA position 199, A replaced by G.
Protein change: p.Ile67Val; replaces isoleucine 67 with valine.
Molecular consequence: missense variant. On other transcripts: 5 prime UTR variant (1), intron variant (3).
Genome position (GRCh38, 1-based): chr17:3,648,905, A>G. VCF-style: chr17-3648905-A-G. GRCh37 (hg19) VCF-style: chr17-3552199-A-G.
Other names: c.199A>G, p.Ile67Val (NM_001031681.3, NM_001374492.1); c.-243A>G (NM_001374494.1); c.-217+1383A>G (NM_001374493.1, NM_001374496.1); c.-216-6093A>G (NM_001374495.1); short protein forms I67V.
Identifiers: ClinVar variation 3385046 (VCV003385046.1).
Genomic context (GRCh38, chr17:3,648,905, plus strand): 5'-AGGCCACCATTAAATGCAACCCTGGTGATCACTTTTGAAATCACATTTCGTTCCAAAAAT[A>G]TTACTATCCTTGAGCTCCCCGATGAAGTAAGTAACCAATCTTAACGGATGGGTAGGGAAA-3'
Protein context (NP_004928.2, residues 57-77): TFEITFRSKN[Ile67Val]TILELPDEVV